The following is an entry in ClinVar:

ClinVar aggregate classification (germline): Uncertain significance (1 of 4 stars; one submission).

Conditions:
Hereditary cancer-predisposing syndrome. Also called: Hereditary Cancer Syndrome; Tumor predisposition; Hereditary neoplastic syndrome; Neoplastic Syndromes, Hereditary. Identifiers: Orphanet 140162, MedGen C0027672, MeSH D009386, MONDO:0015356.

Submission:

Ambry Genetics
Classification: Uncertain significance for Hereditary cancer-predisposing syndrome. Last evaluated: 2024-08-17. Review status: criteria provided, single submitter. Criteria: Ambry Variant Classification Scheme 2023. Collection method: clinical testing. Allele origin: germline.
Comment: The p.I611R variant (also known as c.1832T>G), located in coding exon 13 of the MSH3 gene, results from a T to G substitution at nucleotide position 1832. The isoleucine at codon 611 is replaced by arginine, an amino acid with similar properties. This amino acid position is conserved. In addition, this alteration is predicted to be deleterious by in silico analysis. Based on the available evidence, the clinical significance of this variant remains unclear.

NM_002439.5(MSH3):c.1832T>G (p.Ile611Arg)

Gene: MSH3 (mutS homolog 3; plus strand). Cytogenetic location: 5q14.1.
Variant type: single nucleotide variant.
Coding change: c.1832T>G on transcript NM_002439.5 (MANE Select); coding-DNA position 1832, T replaced by G.
Protein change: p.Ile611Arg; replaces isoleucine 611 with arginine.
Molecular consequence: missense variant.
Genome position (GRCh38, 1-based): chr5:80,761,614, T>G. VCF-style: chr5-80761614-T-G. GRCh37 (hg19) VCF-style: chr5-80057433-T-G.
Other names: short protein forms I611R.
Identifiers: ClinVar variation 3398711 (VCV003398711.1).